The following is an entry in ClinVar:

NM_006231.4(POLE):c.6075G>A (p.Val2025=)

Gene: POLE (DNA polymerase epsilon, catalytic subunit; minus strand). Cytogenetic location: 12q24.33.
Variant type: single nucleotide variant.
Coding change: c.6075G>A on transcript NM_006231.4 (MANE Select); coding-DNA position 6075, G replaced by A.
Protein change: p.Val2025=; no amino-acid change (valine 2025 retained).
Molecular consequence: synonymous variant.
Genome position (GRCh38, 1-based): chr12:132,632,725, C>T on the plus strand (G>A on the coding strand, the complement: POLE is on the minus strand). VCF-style: chr12-132632725-C-T. GRCh37 (hg19) VCF-style: chr12-133209311-C-T.
Other names: c.6075G>A (NM_006231.2).
Identifiers: ClinVar variation 1614551 (VCV001614551.9), dbSNP rs2138464484, ClinGen allele CA482848445.
Genomic context (GRCh38, chr12:132,632,725, plus strand): 5'-GGGAAGGGCTCCGACCGCCCCCTCGGCCTCCTGGGAGAGCTGGCTGGCCCCCCTCCTCCT[C>T]ACGGGGGTGCTCCCTGGAGCACTGCGCCTCAGCCCGTCCTTCATGCAGTGGTACACGGCC-3'
Protein context (NP_006222.2, residues 2015-2035): LRRSAPGSTP[Val2025=]RRRGASQLSQ

ClinVar aggregate classification (germline): Conflicting classifications of pathogenicity. Review status: criteria provided, conflicting classifications (1 of 4 stars). 2 submissions from 2 submitters: Uncertain significance (1); Likely benign (1). Last evaluated 2024-12-20.

Conditions:
Hereditary cancer-predisposing syndrome. Also called: Tumor predisposition; Hereditary neoplastic syndrome; Neoplastic Syndromes, Hereditary; Hereditary Cancer Syndrome. Identifiers: Orphanet 140162, MedGen C0027672, MeSH D009386, MONDO:0015356.

Submissions (2):

Ambry Genetics
Classification: Uncertain significance for Hereditary cancer-predisposing syndrome. Last evaluated: 2024-12-20. Review status: criteria provided, single submitter. Criteria: Ambry Variant Classification Scheme 2023. Collection method: clinical testing. Allele origin: germline.
Comment: The c.6075G>A variant (also known as p.V2025V), located in coding exon 44 of the POLE gene, results from a G to A substitution at nucleotide position 6075. This nucleotide substitution does not change the valine at codon 2025. This nucleotide position is not well conserved in available vertebrate species. In silico splice site analysis for this alteration is inconclusive. Based on the available evidence, the clinical significance of this variant remains unclear.

Labcorp Genetics (formerly Invitae), Labcorp
Classification: Likely benign. Last evaluated: 2021-11-01. Review status: criteria provided, single submitter. Criteria: Invitae Variant Classification Sherloc (09022015). Collection method: clinical testing. Allele origin: germline.